The following is an entry in ClinVar:

ClinVar aggregate classification (germline): Uncertain significance (1 of 4 stars; one submission).

Conditions:
CHARGE syndrome (CHARGE). Also called: Hittner Hirsch Kreh syndrome; CHARGE ASSOCIATION--COLOBOMA, HEART ANOMALY, CHOANAL ATRESIA, RETARDATION, GENITAL AND EAR ANOMALIES; Coloboma, heart anomaly, choanal atresia, retardation, genital and ear anomalies; CHARGE association; Hall-Hittner syndrome. Identifiers: Orphanet 138, MedGen C0265354, MONDO:0008965.

Submission:

Labcorp Genetics (formerly Invitae), Labcorp
Classification: Uncertain significance for CHARGE syndrome. Last evaluated: 2026-01-19. Review status: criteria provided, single submitter. Criteria: Invitae Variant Classification Sherloc (09022015). Collection method: clinical testing. Allele origin: germline.
Comment: This sequence change replaces leucine, which is neutral and non-polar, with proline, which is neutral and non-polar, at codon 2245 of the CHD7 protein (p.Leu2245Pro). This variant is not present in population databases (gnomAD no frequency). This variant has not been reported in the literature in individuals affected with CHD7-related conditions. ClinVar contains an entry for this variant (Variation ID: 2724358). Invitae Evidence Modeling of protein sequence and biophysical properties (such as structural, functional, and spatial information, amino acid conservation, physicochemical variation, residue mobility, and thermodynamic stability) indicates that this missense variant is not expected to disrupt CHD7 protein function with a negative predictive value of 80%. In summary, the available evidence is currently insufficient to determine the role of this variant in disease. Therefore, it has been classified as a Variant of Uncertain Significance.

NM_017780.4(CHD7):c.6734T>C (p.Leu2245Pro)

Gene: CHD7 (chromodomain helicase DNA binding protein 7; plus strand). Cytogenetic location: 8q12.2.
Variant type: single nucleotide variant.
Coding change: c.6734T>C on transcript NM_017780.4 (MANE Select); coding-DNA position 6734, T replaced by C.
Protein change: p.Leu2245Pro; replaces leucine 2245 with proline.
Molecular consequence: missense variant. On other transcripts: intron variant (1).
Genome position (GRCh38, 1-based): chr8:60,853,459, T>C. VCF-style: chr8-60853459-T-C. GRCh37 (hg19) VCF-style: chr8-61766018-T-C.
Other names: c.1717-8770T>C (NM_001316690.1); short protein forms L2245P.
Identifiers: ClinVar variation 2724358 (VCV002724358.3), dbSNP rs2150811434, ClinGen allele CA371326214.